The following is an entry in ClinVar:

NM_001378454.1(ALMS1):c.1144A>G (p.Thr382Ala)

Gene: ALMS1 (ALMS1 centrosome and basal body associated protein; plus strand). Cytogenetic location: 2p13.1.
Variant type: single nucleotide variant.
Coding change: c.1144A>G on transcript NM_001378454.1 (MANE Select); coding-DNA position 1144, A replaced by G.
Protein change: p.Thr382Ala; replaces threonine 382 with alanine.
Molecular consequence: missense variant.
Genome position (GRCh38, 1-based): chr2:73,424,809, A>G. VCF-style: chr2-73424809-A-G. GRCh37 (hg19) VCF-style: chr2-73651937-A-G.
Other names: c.1147A>G, p.Thr383Ala (NM_015120.4); short protein forms T383A, T382A.
Identifiers: ClinVar variation 220880 (VCV000220880.45), dbSNP rs28730849, ClinGen allele CA350101.
Genomic context (GRCh38, chr2:73,424,809, plus strand): 5'-GCTGATAAAGATCAAGTTTCAGTTGCAACTTCATTTGACATAACTGATGAAAACATAGCT[A>G]CTAAAAGAAGTGACCATTTTGATGCTGCTCGTTCATATGGGCAGTATTGGACACAGGAAG-3'
Protein context (NP_001365383.1, residues 372-392): SFDITDENIA[Thr382Ala]KRSDHFDAAR

ClinVar aggregate classification (germline): Benign. Review status: criteria provided, multiple submitters, no conflicts (2 of 4 stars). 12 submissions from 12 submitters: Benign (9). 3 of the submissions do not count toward it. Last evaluated 2026-06-01.

Conditions:
Monogenic diabetes. Identifiers: Orphanet 183625, MedGen C3888631, MONDO:0015967.
Cardiovascular phenotype. Identifiers: MedGen CN230736.
Alstrom syndrome (ALMS). Identifiers: Orphanet 64, MedGen C0268425, MONDO:0008763, OMIM 203800.

Allele frequency attached by ClinVar (database versions not stated): gnomAD exomes 0.00144 and 0.00379; ExAC 0.00438; ESP Exome Variant Server 0.01434; gnomAD 0.01438 and 0.01527; TOPMed 0.01579; 1000 Genomes Project 0.01957; 1000 Genomes Project 30x 0.01968.
gnomAD v4.1: 4,415 of 1,610,916 alleles (0.27%); highest among the groups gnomAD compares: African/African-American, 4.9%; 100 homozygotes.

Submissions (12):

CeGaT Center for Human Genetics Tuebingen
Classification: Benign. Last evaluated: 2026-06-01. Review status: criteria provided, single submitter. Criteria: CeGaT Center For Human Genetics Tuebingen Variant Classification Criteria Version 2. Collection method: clinical testing. Allele origin: germline. Affected: yes. Observed: 5 variant alleles.
Comment: ALMS1: BP4, BS1, BS2

Labcorp Genetics (formerly Invitae), Labcorp
Classification: Benign for Alstrom syndrome. Last evaluated: 2026-02-03. Review status: criteria provided, single submitter. Criteria: Invitae Variant Classification Sherloc (09022015). Collection method: clinical testing. Allele origin: germline.

Personalized Diabetes Medicine Program, University of Maryland School of Medicine
Classification: Benign for Monogenic diabetes. Last evaluated: 2019-02-08. Review status: criteria provided, single submitter. Criteria: ACMG Guidelines, 2015. Collection method: research. Allele origin: unknown. Observed: 11 variant alleles, 11 heterozygotes.
Comment: ACMG criteria: BP4 (REVEL score 0.007 + 9 predictors), BA1 (5.1% in African gnomAD), BS2 (36 homozygotes in gnomAD), BP1 (missense in gene with truncating cause disease)= Benign

Ambry Genetics
Classification: Benign for Cardiovascular phenotype. Last evaluated: 2018-12-26. Review status: criteria provided, single submitter. Criteria: Ambry Variant Classification Scheme 2023. Collection method: clinical testing. Allele origin: germline.

GeneDx
Classification: Benign. Last evaluated: 2016-10-06. Review status: criteria provided, single submitter. Criteria: GeneDx Variant Classification (06012015). Collection method: clinical testing. Allele origin: germline. Affected: yes.
Comment: This variant is considered likely benign or benign based on one or more of the following criteria: it is a conservative change, it occurs at a poorly conserved position in the protein, it is predicted to be benign by multiple in silico algorithms, and/or has population frequency not consistent with disease.

Laboratory for Molecular Medicine, Mass General Brigham Personalized Medicine
Classification: Benign. Last evaluated: 2016-03-21. Review status: criteria provided, single submitter. Criteria: LMM Criteria. Collection method: clinical testing. Allele origin: germline. Observed: 1 variant allele.
Comment: p.Thr382Ala in exon 5 of ALMS1: This variant is not expected to have clinical si gnificance because it has been identified in 7.19% (95/1322) of African chromoso mes by the 1000 Genomes Project (Phase 3; dbSNP rs28730849).

Center for Pediatric Genomic Medicine, Children's Mercy Hospital and Clinics
Classification: Benign. Last evaluated: 2016-01-11. Review status: criteria provided, single submitter. Criteria: ACMG Guidelines, 2015. Collection method: clinical testing. Allele origin: germline.

Breakthrough Genomics
Classification: Benign. Review status: criteria provided, single submitter. Criteria: ACMG Guidelines, 2015. Collection method: not provided. Allele origin: germline. Inheritance: Autosomal recessive inheritance. Affected: yes.

Clinical Genomics, Uppaluri K&H Personalized Medicine Clinic
Classification: Benign for Alstrom syndrome. Review status: criteria provided, single submitter. Criteria: K & H Uppaluri Personalized Medicine Clinic Variant Classification & Assertion Criteria_Updated V.1. Collection method: research. Allele origin: unknown. Inheritance: Autosomal recessive inheritance.
Comment: Potent mutations in ALMS1 are associated with a rare condition called Alstrom syndrome. It can cause excessive eating, insulin resistance. However, no evidence is found to ascertain the role of rs28730849 in Alstrom syndrome yet.

Natera, Inc.
Classification: Benign for Alstrom syndrome. Last evaluated: 2020-09-16. Review status: no assertion criteria provided. Collection method: clinical testing. Allele origin: germline. Not counted in ClinVar's aggregate classification.

Genome Diagnostics Laboratory, University Medical Center Utrecht
Classification: Benign. Review status: no assertion criteria provided. Collection method: clinical testing. Allele origin: germline. Affected: yes. Study: VKGL Data-share Consensus. Not counted in ClinVar's aggregate classification.

Laboratory of Diagnostic Genome Analysis, Leiden University Medical Center (LUMC)
Classification: Likely benign. Review status: no assertion criteria provided. Collection method: clinical testing. Allele origin: germline. Affected: yes. Study: VKGL Data-share Consensus. Not counted in ClinVar's aggregate classification.

Literature cited by the submitters: PubMed 34148947 (cited by Clinical Genomics, Uppaluri K&H Personalized Medicine Clinic); PubMed 25846608 (cited by Clinical Genomics, Uppaluri K&H Personalized Medicine Clinic); PubMed 30421101 (cited by Clinical Genomics, Uppaluri K&H Personalized Medicine Clinic); PubMed 33669459 (cited by Clinical Genomics, Uppaluri K&H Personalized Medicine Clinic).